The following is an entry in ClinVar:

ClinVar aggregate classification (germline): Uncertain significance. Review status: criteria provided, multiple submitters, no conflicts (2 of 4 stars). 5 submissions from 5 submitters: Uncertain significance (5). Last evaluated 2026-02-11.

Conditions:
Cernunnos-XLF deficiency (IMD124). Also called: SCID, AUTOSOMAL RECESSIVE, T CELL-NEGATIVE, B CELL-NEGATIVE, NK CELL-POSITIVE, WITH MICROCEPHALY, GROWTH RETARDATION, AND SENSITIVITY TO IONIZING RADIATION; NHEJ1 SYNDROME; Severe combined immunodeficiency with sensitivity to ionizing radiation due to NHEJ1 deficiency; SCID, autosomal recessive, T cell-negative, B cell-negative, NK cell-positive, and sensitivity to ionizing radiation due to NHEJ1 deficiency; IMMUNODEFICIENCY 124, SEVERE COMBINED. Identifiers: Orphanet 169079, MedGen C1969799, MONDO:0012650, OMIM 611291.

Allele frequency attached by ClinVar (database versions not stated): ExAC 0.00022; gnomAD exomes 0.00028 and 0.00072; gnomAD 0.00034; TOPMed 0.00041; ESP Exome Variant Server 0.00069.

Submissions (5):

Women's Health and Genetics/Laboratory Corporation of America, LabCorp
Classification: Uncertain significance. Last evaluated: 2026-02-11. Review status: criteria provided, single submitter. Criteria: LabCorp Variant Classification Summary - May 2015. Collection method: clinical testing. Allele origin: germline.
Comment: Variant summary: NHEJ1 c.170G>A (p.Arg57Gln) results in a conservative amino acid change located in the XLF, N-terminal domain (IPR015381) of the encoded protein sequence. Algorithms developed to predict the effect of missense changes on protein structure and function are either unavailable or do not agree on the potential impact of this missense change. The variant allele was found at a frequency of 0.00028 in 251482 control chromosomes. This frequency is not significantly higher than estimated for disease-causing variants in NHEJ1, allowing no conclusion about variant significance. c.170G>A has been reported in the literature in settings of WGS/WES in at least one heterozygous individual affected with common variable immunodeficiency disorder (CVID) and in a heterozygous individual with very early onset inflammatory bowel disease (e.g. van Schouwenburg_2015, Kelsen_2015). These report(s) do not provide unequivocal conclusions about association of the variant with Severe Combined Immunodeficiency. A different variant affecting the same codon has been classified as likely pathogenic/pathogenic by our lab (c.169C>G, p.Arg57Gly), supporting the critical relevance of codon 57 to NHEJ1 protein function. To our knowledge, no experimental evidence demonstrating an impact on protein function has been reported. The following publications have been ascertained in the context of this evaluation (PMID: 26193622, 26122175, 39622767). ClinVar contains an entry for this variant (Variation ID: 235289). Based on the evidence outlined above, the variant was classified as uncertain significance.

Labcorp Genetics (formerly Invitae), Labcorp
Classification: Uncertain significance for Cernunnos-XLF deficiency. Last evaluated: 2025-01-27. Review status: criteria provided, single submitter. Criteria: Invitae Variant Classification Sherloc (09022015). Collection method: clinical testing. Allele origin: germline.
Comment: This sequence change replaces arginine, which is basic and polar, with glutamine, which is neutral and polar, at codon 57 of the NHEJ1 protein (p.Arg57Gln). This variant is present in population databases (rs61753339, gnomAD 0.06%). This missense change has been observed in individual(s) with common variable immunodeficiency (CVID) (PMID: 26122175). ClinVar contains an entry for this variant (Variation ID: 235289). Invitae Evidence Modeling of protein sequence and biophysical properties (such as structural, functional, and spatial information, amino acid conservation, physicochemical variation, residue mobility, and thermodynamic stability) indicates that this missense variant is expected to disrupt NHEJ1 protein function with a positive predictive value of 80%. In summary, the available evidence is currently insufficient to determine the role of this variant in disease. Therefore, it has been classified as a Variant of Uncertain Significance.

Blueprint Genetics
Classification: Uncertain significance. Last evaluated: 2024-11-25. Review status: criteria provided, single submitter. Criteria: ACMG Guidelines, 2015. Collection method: clinical testing. Allele origin: germline.

Mayo Clinic Laboratories, Mayo Clinic
Classification: Uncertain significance. Last evaluated: 2021-10-22. Review status: criteria provided, single submitter. Criteria: ACMG Guidelines, 2015. Collection method: clinical testing. Allele origin: germline.

Center for Pediatric Genomic Medicine, Children's Mercy Hospital and Clinics
Classification: Uncertain significance. Last evaluated: 2015-06-04. Review status: criteria provided, single submitter. Criteria: ACMG Guidelines, 2015. Collection method: clinical testing. Allele origin: germline.
ClinVar note: Converted during submission from Uncertain Significance to Uncertain significance.

Literature cited by the submitters: PubMed 26193622 (cited by Women's Health and Genetics/Laboratory Corporation of America, LabCorp); PubMed 26122175 (cited by Women's Health and Genetics/Laboratory Corporation of America, LabCorp and Labcorp Genetics (formerly Invitae), Labcorp); PubMed 39622767 (cited by Women's Health and Genetics/Laboratory Corporation of America, LabCorp).

NM_024782.3(NHEJ1):c.170G>A (p.Arg57Gln)

Gene: NHEJ1 (non-homologous end joining factor 1; minus strand). Cytogenetic location: 2q35.
Variant type: single nucleotide variant.
Coding change: c.170G>A on transcript NM_024782.3 (MANE Select); coding-DNA position 170, G replaced by A.
Protein change: p.Arg57Gln; replaces arginine 57 with glutamine.
Molecular consequence: missense variant. On other transcripts: non-coding transcript variant (1).
Genome position (GRCh38, 1-based): chr2:219,158,193, C>T on the plus strand (G>A on the coding strand, the complement: NHEJ1 is on the minus strand). VCF-style: chr2-219158193-C-T. GRCh37 (hg19) VCF-style: chr2-220022915-C-T.
Other names: p.Arg57Gln; c.170G>A, p.Arg57Gln (NM_001377498.1, NM_001377499.1); short protein forms R57Q.
Identifiers: ClinVar variation 235289 (VCV000235289.17), dbSNP rs61753339, ClinGen allele CA2117089.